The following is an entry in ClinVar:

NM_007059.4(KPTN):c.644_653dup (p.Leu219fs)

Gene: KPTN (kaptin, actin binding protein; minus strand). Cytogenetic location: 19q13.32.
Variant type: Duplication.
Coding change: c.644_653dup on transcript NM_007059.4 (MANE Select); coding-DNA positions 644 to 653, 10 bases duplicated (GCCTCTCAGC; older notation c.644_653dupGCCTCTCAGC).
Protein change: p.Leu219fs; shifts the reading frame from leucine 219.
Molecular consequence: frameshift variant. On other transcripts: non-coding transcript variant (1).
Genome position (GRCh38, 1-based): chr19:47,480,354-47,480,363, GCTGAGAGGC duplicated on the plus strand (GCCTCTCAGC on the coding strand, the reverse complement: KPTN is on the minus strand); duplicating any 10 consecutive bases within chr19:47,480,354-47,480,365 gives the same sequence; the c. name uses the placement nearest the transcript's 3' end. VCF-style (leftmost placement, unchanged base first): chr19-47480353-A-AGCTGAGAGGC. GRCh37 (hg19) VCF-style: chr19-47983610-A-AGCTGAGAGGC.
Other names: c.476_485dup, p.Leu163fs (NM_001291296.2); short protein forms L219fs, L163fs.
Identifiers: ClinVar variation 4765774 (VCV004765774.1).

ClinVar aggregate classification (germline): Pathogenic (1 of 4 stars; one submission).

Conditions:
Macrocephaly-developmental delay syndrome (MRT41). Also called: INTELLECTUAL DEVELOPMENTAL DISORDER, AUTOSOMAL RECESSIVE 41. Identifiers: Orphanet 397612, MedGen C3810225, MONDO:0014289, OMIM 615637.

Submission:

Labcorp Genetics (formerly Invitae), Labcorp
Classification: Pathogenic for Macrocephaly-developmental delay syndrome. Last evaluated: 2025-04-10. Review status: criteria provided, single submitter. Criteria: Invitae Variant Classification Sherloc (09022015). Collection method: clinical testing. Allele origin: germline.
Comment: This sequence change creates a premature translational stop signal (p.Leu219Profs*57) in the KPTN gene. It is expected to result in an absent or disrupted protein product. Loss-of-function variants in KPTN are known to be pathogenic (PMID: 24239382, 25847626). This variant is not present in population databases (gnomAD no frequency). This variant has not been reported in the literature in individuals affected with KPTN-related conditions. For these reasons, this variant has been classified as Pathogenic.

Literature cited by the submitters: PubMed 24239382; PubMed 25847626.